The following is an entry in ClinVar:

NC_000011.10:g.5249973T>A

Genes: HBG1 (hemoglobin subunit gamma 1; minus strand), LOC106099064 (HBG1 recombination region; plus strand). Cytogenetic location: 11p15.4.
Variant type: single nucleotide variant.
Genome position: GRCh38 VCF-style: chr11-5249973-T-A. GRCh37 (hg19) VCF-style: chr11-5271203-T-A.
Identifiers: ClinVar variation 3766526 (VCV003766526.1).

ClinVar aggregate classification (germline): Uncertain significance (1 of 4 stars; one submission).

Conditions:
Hereditary persistence of fetal hemoglobin. Identifiers: MedGen C0019025, MONDO:0020989, OMIM 141749.

Submission:

ARUP Laboratories, Molecular Genetics and Genomics, ARUP Laboratories
Classification: Uncertain significance for Hereditary persistence of fetal hemoglobin. Last evaluated: 2024-03-21. Review status: criteria provided, single submitter. Criteria: ARUP Molecular Germline Variant Investigation Process 2024. Collection method: clinical testing. Allele origin: germline.
Comment: The HBG1 c.-169A>T (-116A>T) variant, to our knowledge, is not reported in the medical literature or gene specific databases. This variant is absent from the Genome Aggregation Database (v2.1.1), indicating it is not a common polymorphism. This variant is located within the proximal promoter (Giardine 2011, Shen 2021) and other nearby promoter variants (c.-170G>A/-117G>A, c.-170G>C/-117G>C, c.-167C>G/-114C>G, c.-167C>T/-114C>T, c.-166A>G/-113A>G) are reported to be causative for hereditary persistence of fetal hemoglobin (Collins 1985, Martyn 2019, Oner 1991, Singha 2023). Due to limited information regarding the c.-169A>T variant, its clinical significance is uncertain at this time. References: Collins FS et al. A point mutation in the A gamma-globin gene promoter in Greek hereditary persistence of fetal haemoglobin. Nature. 1985 Jan 24-30;313(6000):325-6. PMID: 2578620. Giardine B et al. Systematic documentation and analysis of human genetic variation in hemoglobinopathies using the microattribution approach. Nat Genet. 2011 Mar 20;43(4):295-301. PMID: 21423179. Martyn GE et al. A natural regulatory mutation in the proximal promoter elevates fetal globin expression by creating a de novo GATA1 site. Blood. 2019 Feb 21;133(8):852-856. PMID: 30617196. Oner R et al. The Georgia type of nondeletional hereditary persistence of fetal hemoglobin has a C---T mutation at nucleotide-114 of the A gamma-globin gene. Blood. 1991 Mar 1;77(5):1124-5. PMID: 1704803. Shen Y et al. A unified model of human hemoglobin switching through single-cell genome editing. Nat Commun. 2021 Aug 17;12(1):4991. PMID: 34404810. Singha K et al. Molecular basis of non-deletional HPFH in Thailand and identification of two novel mutations at the binding sites of CCAAT and GATA-1 transcription factors. Sci Rep. 2023 Jul 24;13(1):11926. PMID: 37488161.